The following is an entry in ClinVar:

NM_007294.4(BRCA1):c.424C>G (p.Pro142Ala)

Gene: BRCA1 (BRCA1 DNA repair associated; minus strand). Cytogenetic location: 17q21.31.
Variant type: single nucleotide variant.
Coding change: c.424C>G on transcript NM_007294.4 (MANE Select); coding-DNA position 424, C replaced by G.
Protein change: p.Pro142Ala; replaces proline 142 with alanine.
Molecular consequence: missense variant. On other transcripts: non-coding transcript variant (1).
Genome position (GRCh38, 1-based): chr17:43,104,139, G>C on the plus strand (C>G on the coding strand, the complement: BRCA1 is on the minus strand). VCF-style: chr17-43104139-G-C. GRCh37 (hg19) VCF-style: chr17-41256156-G-C.
Other names: c.214C>G, p.Pro72Ala (NM_001407571.1, NM_001407853.1, NM_001407879.1 and 58 more transcripts); c.424C>G, p.Pro142Ala (NM_001407581.1, NM_001407582.1, NM_001407583.1 and 165 more transcripts); c.415C>G, p.Pro139Ala (NM_001407646.1, NM_001407647.1, NM_001408408.1); c.346C>G, p.Pro116Ala (NM_001407653.1, NM_001407654.1, NM_001407655.1 and 21 more transcripts); c.283C>G, p.Pro95Ala (NM_001407692.1, NM_001407694.1, NM_001407695.1 and 99 more transcripts); c.43C>G, p.Pro15Ala (NM_001407959.1, NM_001407960.1, NM_001407962.1 and 4 more transcripts); c.292C>G, p.Pro98Ala (NM_001408451.1); short protein forms P142A, P95A, P15A, P116A, P72A, P139A, P98A.
Identifiers: ClinVar variation 55152 (VCV000055152.7), dbSNP rs397509156, ClinGen allele CA002729.

ClinVar aggregate classification (germline): Uncertain significance. Review status: criteria provided, multiple submitters, no conflicts (2 of 4 stars). 2 submissions from 2 submitters: Uncertain significance (2). Last evaluated 2025-05-06.

Conditions:
Hereditary breast ovarian cancer syndrome. Also called: Breast and ovarian cancer; Hereditary breast and ovarian cancer syndrome (HBOC); Hereditary breast and ovarian cancer syndrome; Hereditary breast and/or ovarian cancer syndrome; Hereditary breast and ovarian cancer; BRCA1- and BRCA2-Associated Hereditary Breast and Ovarian Cancer. Identifiers: Orphanet 145, MedGen C0677776, MeSH D061325, MONDO:0003582. Disease mechanism: loss of function.
Hereditary cancer-predisposing syndrome. Also called: Neoplastic Syndromes, Hereditary; Hereditary neoplastic syndrome; Tumor predisposition; Hereditary Cancer Syndrome. Identifiers: Orphanet 140162, MedGen C0027672, MeSH D009386, MONDO:0015356.

Submissions (2):

Labcorp Genetics (formerly Invitae), Labcorp
Classification: Uncertain significance for Hereditary breast ovarian cancer syndrome. Last evaluated: 2025-05-06. Review status: criteria provided, single submitter. Criteria: Invitae Variant Classification Sherloc (09022015). Collection method: clinical testing. Allele origin: germline.
Comment: This sequence change replaces proline, which is neutral and non-polar, with alanine, which is neutral and non-polar, at codon 142 of the BRCA1 protein (p.Pro142Ala). This variant is not present in population databases (gnomAD no frequency). This missense change has been observed in individual(s) with breast cancer (PMID: 22713736). This variant is also known as 543C>G. ClinVar contains an entry for this variant (Variation ID: 55152). Invitae Evidence Modeling of protein sequence and biophysical properties (such as structural, functional, and spatial information, amino acid conservation, physicochemical variation, residue mobility, and thermodynamic stability) has been performed for this missense variant. However, the output from this modeling did not meet the statistical confidence thresholds required to predict the impact of this variant on BRCA1 protein function. Experimental studies have shown that this missense change affects BRCA1 function (PMID: 25823446). In summary, the available evidence is currently insufficient to determine the role of this variant in disease. Therefore, it has been classified as a Variant of Uncertain Significance.

Ambry Genetics
Classification: Uncertain significance for Hereditary cancer-predisposing syndrome. Last evaluated: 2014-06-23. Review status: criteria provided, single submitter. Criteria: Ambry Variant Classification Scheme 2023. Collection method: clinical testing. Allele origin: germline.
Comment: The p.P142A variant (also known as c.424C>G and 543C>G), located in coding exon 5 of the BRCA1 gene, results from a C to G substitution at nucleotide position 424. The proline at codon 142 is replaced by alanine, an amino acid with highly similar properties. This variant was not reported in population based cohorts in the following databases: Database of Single Nucleotide Polymorphisms (dbSNP), NHLBI Exome Sequencing Project (ESP), and 1000 Genomes Project. In the ESP, this variant was not observed in 6503 samples (13,006 alleles) with coverage at this position. To date, this alteration has been detected with an allele frequency of approximately 0.002% (greater than 42,000 alleles tested) in our clinical cohort (includes this individual). This amino acid position is moderately conserved in available vertebrate species. In addition, this alteration is predicted to be benign by PolyPhen but deleterious by SIFT in silico analyses. Since supporting evidence is limited at this time, the clinical significance of p.P142A remains unclear.

Literature cited by the submitters: PubMed 22713736 (cited by Labcorp Genetics (formerly Invitae), Labcorp); PubMed 25823446 (cited by Labcorp Genetics (formerly Invitae), Labcorp).